The following is an entry in ClinVar:

ClinVar aggregate classification (germline): Uncertain significance. Review status: criteria provided, multiple submitters, no conflicts (2 of 4 stars). 2 submissions from 2 submitters: Uncertain significance (2). Last evaluated 2025-11-06.

Conditions:
Inborn genetic diseases. Identifiers: MedGen C0950123, MeSH D030342.
Frontotemporal dementia (FTD1). Also called: Dementia, frontotemporal, with or without parkinsonism; FRONTOTEMPORAL DEMENTIA WITH PARKINSONISM; FRONTOTEMPORAL LOBE DEMENTIA; Frontotemporal lobe dementia (FLDEM); WILHELMSEN-LYNCH DISEASE; MULTIPLE SYSTEM TAUOPATHY WITH PRESENILE DEMENTIA. Identifiers: Orphanet 282, MedGen C0338451, MONDO:0017276, OMIM 600274, HP:0002145.

Allele frequency attached by ClinVar (database versions not stated): ExAC 0.00002; TOPMed 0.00003; gnomAD 0.00004.
gnomAD v4.1: 74 of 1,614,100 alleles (0.0046%); highest among the groups gnomAD compares: Middle Eastern, 0.016%; no homozygotes.

Submissions (2):

Ambry Genetics
Classification: Uncertain significance for Inborn genetic diseases. Last evaluated: 2025-11-06. Review status: criteria provided, single submitter. Criteria: Ambry Variant Classification Scheme 2023. Collection method: clinical testing. Allele origin: germline.

Labcorp Genetics (formerly Invitae), Labcorp
Classification: Uncertain significance for Frontotemporal dementia. Last evaluated: 2023-12-22. Review status: criteria provided, single submitter. Criteria: Invitae Variant Classification Sherloc (09022015). Collection method: clinical testing. Allele origin: germline.
Comment: This sequence change replaces alanine, which is neutral and non-polar, with threonine, which is neutral and polar, at codon 426 of the MAPT protein (p.Ala426Thr). This variant is present in population databases (rs764874119, gnomAD 0.006%). This variant has not been reported in the literature in individuals affected with MAPT-related conditions. ClinVar contains an entry for this variant (Variation ID: 2036974). Advanced modeling of protein sequence and biophysical properties (such as structural, functional, and spatial information, amino acid conservation, physicochemical variation, residue mobility, and thermodynamic stability) performed at Invitae indicates that this missense variant is expected to disrupt MAPT protein function with a positive predictive value of 80%. In summary, the available evidence is currently insufficient to determine the role of this variant in disease. Therefore, it has been classified as a Variant of Uncertain Significance.

NM_001377265.1(MAPT):c.2452G>A (p.Ala818Thr)

Gene: MAPT (microtubule associated protein tau). Cytogenetic location: 17q21.31.
Variant type: single nucleotide variant.
Coding change: c.2452G>A on transcript NM_001377265.1 (MANE Select); coding-DNA position 2452, G replaced by A.
Protein change: p.Ala818Thr; replaces alanine 818 with threonine.
Molecular consequence: missense variant. On other transcripts: non-coding transcript variant (1), intron variant (1).
Genome position (GRCh38, 1-based): chr17:46,024,121, G>A. VCF-style: chr17-46024121-G-A. GRCh37 (hg19) VCF-style: chr17-44101487-G-A.
Other names: c.1276G>A (NM_005910.5); c.2281G>A, p.Ala761Thr (NM_001123066.4); c.1189G>A, p.Ala397Thr (NM_001123067.4); c.1096G>A, p.Ala366Thr (NM_001203251.2); c.1183G>A, p.Ala395Thr (NM_001203252.2); c.2161G>A, p.Ala721Thr (NM_001377266.1); c.1009G>A, p.Ala337Thr (NM_001377268.1, NM_016841.5); c.1276G>A, p.Ala426Thr (NM_005910.6); and 3 more; short protein forms A368T, A395T, A426T, A818T, A721T, A337T, A366T, A397T.
Identifiers: ClinVar variation 2036974 (VCV002036974.5), dbSNP rs764874119, ClinGen allele CA8618276.